The following is an entry in ClinVar:

NM_000091.5(COL4A3):c.1615G>T (p.Glu539Ter)

Genes: MFF-DT (MFF divergent transcript; minus strand), COL4A3 (collagen type IV alpha 3 chain; plus strand). Cytogenetic location: 2q36.3.
Variant type: single nucleotide variant.
Coding change: c.1615G>T on transcript NM_000091.5 (MANE Select); coding-DNA position 1615, G replaced by T.
Protein change: p.Glu539Ter; replaces glutamic acid 539 with a stop codon.
Molecular consequence: nonsense.
Genome position (GRCh38, 1-based): chr2:227,270,809, G>T. VCF-style: chr2-227270809-G-T. GRCh37 (hg19) VCF-style: chr2-228135525-G-T.
Other names: short protein forms E539*.
Identifiers: ClinVar variation 984358 (VCV000984358.10), dbSNP rs2071189852, ClinGen allele CA350871617.

ClinVar aggregate classification (germline): Pathogenic/Likely pathogenic. Review status: criteria provided, multiple submitters, no conflicts (2 of 4 stars). 2 submissions from 2 submitters: Pathogenic (1); Likely pathogenic (1). Last evaluated 2024-01-04.

Conditions:
Autosomal recessive Alport syndrome (ATS2). Also called: ALPORT SYNDROME 2, AUTOSOMAL RECESSIVE; Alport syndrome type 2; COL4A4 Alport Syndrome and Thin Basement Membrane Nephropathy; COL4A3-Related Nephropathy. Identifiers: Orphanet 63, Orphanet 88919, MedGen C4746745, MONDO:0008762, OMIM 203780.

Allele frequency attached by ClinVar (database versions not stated): gnomAD exomes below 0.00001; TOPMed below 0.00001.
gnomAD v4.1: 2 of 1,614,108 alleles (0.00012%); highest among the groups gnomAD compares: Non-Finnish European, 0.00017%; no homozygotes.

Submissions (2):

Labcorp Genetics (formerly Invitae), Labcorp
Classification: Pathogenic. Last evaluated: 2024-01-04. Review status: criteria provided, single submitter. Criteria: Invitae Variant Classification Sherloc (09022015). Collection method: clinical testing. Allele origin: germline.
Comment: This sequence change creates a premature translational stop signal (p.Glu539*) in the COL4A3 gene. It is expected to result in an absent or disrupted protein product. Loss-of-function variants in COL4A3 are known to be pathogenic (PMID: 8956999, 24854265, 26809805, 27281700). This variant is not present in population databases (gnomAD no frequency). This variant has not been reported in the literature in individuals affected with COL4A3-related conditions. ClinVar contains an entry for this variant (Variation ID: 984358). For these reasons, this variant has been classified as Pathogenic.

Myriad Genetics, Inc.
Classification: Likely pathogenic for Autosomal recessive Alport syndrome. Last evaluated: 2019-06-15. Review status: criteria provided, single submitter. Criteria: Myriad Women's Health Autosomal Recessive and X-Linked Classification Criteria (2019). Collection method: clinical testing. Allele origin: unknown.
Comment: NM_000091.4(COL4A3):c.1615G>T(E539*) is expected to be pathogenic in the context of COL4A3-related Alport syndrome. This variant is predicted to lead to an abnormal or absent protein product due to the creation of a premature termination codon in COL4A3, a gene where loss-of-function variants are known to be pathogenic. Please note: this variant was assessed in the context of healthy population screening.

Literature cited by the submitters: PubMed 8956999 (cited by Labcorp Genetics (formerly Invitae), Labcorp); PubMed 24854265 (cited by Labcorp Genetics (formerly Invitae), Labcorp); PubMed 26809805 (cited by Labcorp Genetics (formerly Invitae), Labcorp); PubMed 27281700 (cited by Labcorp Genetics (formerly Invitae), Labcorp).